The following is an entry in ClinVar:

ClinVar aggregate classification (germline): Uncertain significance. Review status: criteria provided, multiple submitters, no conflicts (2 of 4 stars). 2 submissions from 2 submitters: Uncertain significance (2). Last evaluated 2025-07-08.

Conditions:
Inborn genetic diseases. Identifiers: MedGen C0950123, MeSH D030342.

Allele frequency attached by ClinVar (database versions not stated): gnomAD 0.00006; TOPMed 0.00006.

Submissions (2):

GeneDx
Classification: Uncertain significance. Last evaluated: 2025-07-08. Review status: criteria provided, single submitter. Criteria: GeneDx Variant Classification Process June 2021. Collection method: clinical testing. Allele origin: germline.
Comment: In silico analysis suggests that this missense variant does not alter protein structure/function; Has not been previously published as pathogenic or benign to our knowledge

Ambry Genetics
Classification: Uncertain significance for Inborn genetic diseases. Last evaluated: 2021-06-18. Review status: criteria provided, single submitter. Criteria: Ambry Variant Classification Scheme 2023. Collection method: clinical testing. Allele origin: germline.

NM_001128228.3(TPRN):c.310C>T (p.Pro104Ser)

Genes: TPRN (taperin; minus strand), LOC130003092 (ATAC-STARR-seq lymphoblastoid silent region 20589; plus strand). Cytogenetic location: 9q34.3.
Variant type: single nucleotide variant.
Coding change: c.310C>T on transcript NM_001128228.3 (MANE Select); coding-DNA position 310, C replaced by T.
Protein change: p.Pro104Ser; replaces proline 104 with serine.
Molecular consequence: missense variant.
Genome position (GRCh38, 1-based): chr9:137,200,402, G>A on the plus strand (C>T on the coding strand, the complement: TPRN is on the minus strand). VCF-style: chr9-137200402-G-A. GRCh37 (hg19) VCF-style: chr9-140094854-G-A.
Other names: short protein forms P104S.
Identifiers: ClinVar variation 1801058 (VCV001801058.5), dbSNP rs1377632173, ClinGen allele CA375783623.